The following is an entry in ClinVar:

ClinVar aggregate classification (germline): Uncertain significance (1 of 4 stars; one submission).

Conditions:
Adenylosuccinate lyase deficiency (ADSLD). Also called: ADSL DEFICIENCY. Identifiers: Orphanet 46, MedGen C0268126, MONDO:0007068, OMIM 103050.

Submissions (3):

Labcorp Genetics (formerly Invitae), Labcorp
Classification: Uncertain significance for Adenylosuccinate lyase deficiency. Last evaluated: 2022-08-23. Review status: criteria provided, single submitter. Criteria: Invitae Variant Classification Sherloc (09022015). Collection method: clinical testing. Allele origin: germline.
Comment: Advanced modeling of protein sequence and biophysical properties (such as structural, functional, and spatial information, amino acid conservation, physicochemical variation, residue mobility, and thermodynamic stability) performed at Invitae indicates that this missense variant is expected to disrupt ADSL protein function. This sequence change replaces alanine, which is neutral and non-polar, with valine, which is neutral and non-polar, at codon 47 of the ADSL protein (p.Ala47Val). This variant is not present in population databases (gnomAD no frequency). This variant has not been reported in the literature in individuals affected with ADSL-related conditions. ClinVar contains an entry for this variant (Variation ID: 953316). In summary, the available evidence is currently insufficient to determine the role of this variant in disease. Therefore, it has been classified as a Variant of Uncertain Significance.

Dr. Peter K. Rogan Lab, Western University
No classification provided (evidence only). Condition: Thyroid cancer, nonmedullary, 1. Review status: no classification provided. Collection method: in vitro. Allele origin: not applicable. Functional consequence: retained intron. Not counted in ClinVar's aggregate classification.

Dr. Peter K. Rogan Lab, Western University
No classification provided (evidence only). Condition: Thyroid cancer, nonmedullary, 1. Review status: no classification provided. Collection method: in vitro. Allele origin: not applicable. Functional consequence: retained intron. Not counted in ClinVar's aggregate classification.

NM_000026.4(ADSL):c.140C>T (p.Ala47Val)

Gene: ADSL (adenylosuccinate lyase; plus strand). Cytogenetic location: 22q13.1.
Variant type: single nucleotide variant.
Coding change: c.140C>T on transcript NM_000026.4 (MANE Select); coding-DNA position 140, C replaced by T.
Protein change: p.Ala47Val; replaces alanine 47 with valine.
Molecular consequence: missense variant. On other transcripts: non-coding transcript variant (1), intron variant (1).
Genome position (GRCh38, 1-based): chr22:40,346,698, C>T. VCF-style: chr22-40346698-C-T. GRCh37 (hg19) VCF-style: chr22-40742702-C-T.
Other names: c.140C>T, p.Ala47Val (NM_001123378.3, NM_001363840.3); c.-40+42C>T (NM_001317923.2); short protein forms A47V.
Identifiers: ClinVar variation 953316 (VCV000953316.8), dbSNP rs759704594, ClinGen allele CA411632878.